The following is an entry in ClinVar:

ClinVar aggregate classification (germline): Uncertain significance (1 of 4 stars; one submission).

Submission:

Labcorp Genetics (formerly Invitae), Labcorp
Classification: Uncertain significance. Last evaluated: 2021-12-02. Review status: criteria provided, single submitter. Criteria: Invitae Variant Classification Sherloc (09022015). Collection method: clinical testing. Allele origin: germline.
Comment: This variant is not present in population databases (gnomAD no frequency). This variant has not been reported in the literature in individuals affected with LIPT2-related conditions. Algorithms developed to predict the effect of missense changes on protein structure and function are either unavailable or do not agree on the potential impact of this missense change (SIFT: "Not Available"; PolyPhen-2: "Benign"; Align-GVGD: "Not Available"). In summary, the available evidence is currently insufficient to determine the role of this variant in disease. Therefore, it has been classified as a Variant of Uncertain Significance. This sequence change replaces serine, which is neutral and polar, with threonine, which is neutral and polar, at codon 196 of the LIPT2 protein (p.Ser196Thr).

NM_001144869.3(LIPT2):c.587G>C (p.Ser196Thr)

Gene: LIPT2 (lipoyl(octanoyl) transferase 2; minus strand). Cytogenetic location: 11q13.4.
Variant type: single nucleotide variant.
Coding change: c.587G>C on transcript NM_001144869.3 (MANE Select); coding-DNA position 587, G replaced by C.
Protein change: p.Ser196Thr; replaces serine 196 with threonine.
Molecular consequence: missense variant. On other transcripts: 3 prime UTR variant (2).
Genome position (GRCh38, 1-based): chr11:74,492,244, C>G on the plus strand (G>C on the coding strand, the complement: LIPT2 is on the minus strand). VCF-style: chr11-74492244-C-G. GRCh37 (hg19) VCF-style: chr11-74203289-C-G.
Other names: c.*1G>C (NM_001329941.2, NM_001329942.2); short protein forms S196T.
Identifiers: ClinVar variation 1441951 (VCV001441951.6), dbSNP rs2135041832, ClinGen allele CA381976065.